The following is an entry in ClinVar:

ClinVar aggregate classification (germline): Uncertain significance (1 of 4 stars; one submission).

Allele frequency attached by ClinVar (database versions not stated): gnomAD exomes below 0.00001.
gnomAD v4.1: 1 of 1,613,122 alleles (0.000062%); highest among the groups gnomAD compares: Non-Finnish European, 0.000085%; no homozygotes.

Submission:

Labcorp Genetics (formerly Invitae), Labcorp
Classification: Uncertain significance. Last evaluated: 2021-08-28. Review status: criteria provided, single submitter. Criteria: Invitae Variant Classification Sherloc (09022015). Collection method: clinical testing. Allele origin: germline.
Comment: This sequence change replaces serine with alanine at codon 1162 of the PCDH15 protein (p.Ser1162Ala). The serine residue is highly conserved and there is a moderate physicochemical difference between serine and alanine. This variant is not present in population databases (ExAC no frequency). This variant has not been reported in the literature in individuals affected with PCDH15-related conditions. Algorithms developed to predict the effect of missense changes on protein structure and function are either unavailable or do not agree on the potential impact of this missense change (SIFT: "Deleterious"; PolyPhen-2: "Probably Damaging"; Align-GVGD: "Class C0"). In summary, the available evidence is currently insufficient to determine the role of this variant in disease. Therefore, it has been classified as a Variant of Uncertain Significance.

NM_001384140.1(PCDH15):c.3484T>G (p.Ser1162Ala)

Gene: PCDH15 (protocadherin related 15; minus strand). Cytogenetic location: 10q21.1.
Variant type: single nucleotide variant.
Coding change: c.3484T>G on transcript NM_001384140.1 (MANE Select); coding-DNA position 3484, T replaced by G.
Protein change: p.Ser1162Ala; replaces serine 1162 with alanine.
Molecular consequence: missense variant.
Genome position (GRCh38, 1-based): chr10:53,903,260, A>C on the plus strand (T>G on the coding strand, the complement: PCDH15 is on the minus strand). VCF-style: chr10-53903260-A-C. GRCh37 (hg19) VCF-style: chr10-55663020-A-C.
Other names: c.3499T>G, p.Ser1167Ala (NM_001142763.2, NM_001142771.2); c.3484T>G, p.Ser1162Ala (NM_001142764.2, NM_001142766.2, NM_001142770.3 and 4 more transcripts); c.3271T>G, p.Ser1091Ala (NM_001142765.2); c.3373T>G, p.Ser1125Ala (NM_001142767.2); c.3418T>G, p.Ser1140Ala (NM_001142768.2, NM_001142773.2, NM_001354404.2); c.3520T>G, p.Ser1174Ala (NM_001142769.4); c.3505T>G, p.Ser1169Ala (NM_001354411.2); short protein forms S1140A, S1162A, S1091A, S1174A, S1125A, S1167A, S1169A.
Identifiers: ClinVar variation 1517702 (VCV001517702.6), dbSNP rs2133664859, ClinGen allele CA376525352.